The following is an entry in ClinVar:

ClinVar aggregate classification (germline): Uncertain significance (1 of 4 stars; one submission).

Conditions:
Marfan syndrome (MFS). Also called: MARFAN SYNDROME, TYPE I; Marfan syndrome type 1; Marfan's syndrome; Marfan syndrome, classic; FBN1-Related Marfan Syndrome. Identifiers: Orphanet 284963, Orphanet 558, MedGen C0024796, MONDO:0007947, OMIM 154700.

Submission:

All of Us Research Program, National Institutes of Health
Classification: Uncertain significance for Marfan syndrome. Last evaluated: 2023-11-20. Review status: criteria provided, single submitter. Criteria: ACMG Guidelines, 2015. Collection method: clinical testing. Allele origin: germline. Inheritance: Autosomal dominant inheritance. Observed: 1 variant allele, 1 heterozygote.
Comment: This variant causes a T to A nucleotide substitution at the +6 position of intron 46 of the FBN1 gene. To our knowledge, functional studies have not been reported for this variant. This variant has not been reported in individuals affected with FBN1-related disorders in the literature. This variant has not been identified in the general population by the Genome Aggregation Database (gnomAD). The available evidence is insufficient to determine the role of this variant in disease conclusively. Therefore, this variant is classified as a Variant of Uncertain Significance.

This study involves interpretation of variants in research participants for the purpose of population health screening. Participant phenotype was not available at the time of variant classification. Additional details can be found in publication PMID: 35346344, PMCID: PMC8962531

NM_000138.5(FBN1):c.5671+6T>A

Gene: FBN1 (fibrillin 1; minus strand). Cytogenetic location: 15q21.1.
Variant type: single nucleotide variant.
Coding change: c.5671+6T>A on transcript NM_000138.5 (MANE Select); 6 bases into the intron after coding-DNA position 5671, T replaced by A.
Molecular consequence: intron variant.
Genome position (GRCh38, 1-based): chr15:48,448,762, A>T on the plus strand (T>A on the coding strand, the complement: FBN1 is on the minus strand). VCF-style: chr15-48448762-A-T. GRCh37 (hg19) VCF-style: chr15-48740959-A-T.
Other names: c.5671+6T>A (NM_001406716.1).
Identifiers: ClinVar variation 3074537 (VCV003074537.1), dbSNP rs2505463024, ClinGen allele CA2825002264.